The following is an entry in ClinVar:

ClinVar aggregate classification (germline): Pathogenic (1 of 4 stars; one submission).

Conditions:
GNPTG-mucolipidosis. Also called: ML III GAMMA; ML IIIC; MUCOLIPIDOSIS III, COMPLEMENTATION GROUP C; MUCOLIPIDOSIS III, IRANIAN VARIANT FORM; MUCOLIPIDOSIS III, VARIANT FORM; Mucolipidosis type III gamma. Identifiers: Orphanet 423470, Orphanet 577, MedGen C1854896, MONDO:0009652, OMIM 252605.

Submission:

Natera, Inc.
Classification: Pathogenic for Mucolipidosis III gamma. Last evaluated: 2024-08-15. Review status: criteria provided, single submitter. Criteria: Natera Variant Classification Schema (03/2026). Collection method: clinical testing. Allele origin: germline.
Comment: The c.13delC variant in GNPTG is a frameshift variant predicted to shift the reading frame beginning at codon 5 and leads to a stop codon 23 codons downstream. This variant is expected to result in nonsense mediated decay, truncation, or a dysfunctional protein product. This variant is rare in the general population with a frequency below the threshold expected for the associated phenotype(s). This variant has been observed in one or more individuals affected with the associated recessive disease, as either homozygous or compound heterozygous with a second variant (PMID: 29872134). Given the available evidence, this variant is classified as Pathogenic.

Literature cited by the submitters: PubMed 29872134.

NM_032520.5(GNPTG):c.13del (p.Leu5fs)

Genes: GNPTG (N-acetylglucosamine-1-phosphate transferase subunit gamma; plus strand), LOC130058158 (ATAC-STARR-seq lymphoblastoid silent region 6972; plus strand). Cytogenetic location: 16p13.3.
Variant type: Deletion.
Coding change: c.13del on transcript NM_032520.5 (MANE Select); coding-DNA position 13, one base deleted (C; older notation c.13delC).
Protein change: p.Leu5fs; shifts the reading frame from leucine 5.
Molecular consequence: frameshift variant.
Genome position (GRCh38, 1-based): chr16:1,351,978, C deleted. VCF-style (leftmost placement, unchanged base first): chr16-1351977-GC-G. GRCh37 (hg19) VCF-style: chr16-1401978-GC-G.
Other names: short protein forms L5fs.
Identifiers: ClinVar variation 4816330 (VCV004816330.1).